The following is an entry in ClinVar:

NM_001009944.3(PKD1):c.5454G>A (p.Ala1818=)

Gene: PKD1 (polycystin 1, transient receptor potential channel interacting; minus strand). Cytogenetic location: 16p13.3.
Variant type: single nucleotide variant.
Coding change: c.5454G>A on transcript NM_001009944.3 (MANE Select); coding-DNA position 5454, G replaced by A.
Protein change: p.Ala1818=; no amino-acid change (alanine 1818 retained).
Molecular consequence: synonymous variant.
Genome position (GRCh38, 1-based): chr16:2,109,713, C>T on the plus strand (G>A on the coding strand, the complement: PKD1 is on the minus strand). VCF-style: chr16-2109713-C-T. GRCh37 (hg19) VCF-style: chr16-2159714-C-T.
Other names: p.Ala1818=; c.5454G>A, p.Ala1818= (NM_000296.4).
Identifiers: ClinVar variation 256978 (VCV000256978.21), dbSNP rs143916489, ClinGen allele CA7831970.

ClinVar aggregate classification (germline): Benign. Review status: criteria provided, multiple submitters, no conflicts (2 of 4 stars). 9 submissions from 9 submitters: Benign (6). 3 of the submissions do not count toward it. Last evaluated 2025-03-27.

Conditions:
Polycystic kidney disease, adult type (PKD1). Also called: POLYCYSTIC KIDNEY DISEASE, ADULT, TYPE I; Polycystic Kidney Disease 1, Autosomal Dominant; Polycystic kidney disease 1; Polycystic kidney disease 1, severe; POLYCYSTIC KIDNEY DISEASE 1 WITH OR WITHOUT POLYCYSTIC LIVER DISEASE; Polycystic Kidney, Autosomal Dominant. Identifiers: MedGen C3149841, MONDO:0008263, OMIM 173900.
Polycystic kidney disease. Also called: Kidney, Polycystic; Polycystic kidney dysplasia. Identifiers: MedGen C0022680, MeSH D007690, MONDO:0020642, HP:0000113.

Allele frequency attached by ClinVar (database versions not stated): gnomAD 0.03762; ESP Exome Variant Server 0.04389; TOPMed 0.04459; 1000 Genomes Project 0.04712; 1000 Genomes Project 30x 0.04981.
gnomAD v4.1: 12,154 of 1,602,118 alleles (0.76%); highest among the groups gnomAD compares: African/African-American, 13%; 776 homozygotes.

Submissions (9):

Women's Health and Genetics/Laboratory Corporation of America, LabCorp
Classification: Benign. Last evaluated: 2025-03-27. Review status: criteria provided, single submitter. Criteria: LabCorp Variant Classification Summary - May 2015. Collection method: clinical testing. Allele origin: germline.

Mayo Clinic Laboratories, Mayo Clinic
Classification: Benign. Last evaluated: 2022-11-18. Review status: criteria provided, single submitter. Criteria: ACMG Guidelines, 2015. Collection method: clinical testing. Allele origin: germline. Observed: 42 variant alleles.

ARUP Laboratories, Molecular Genetics and Genomics, ARUP Laboratories
Classification: Benign for Polycystic kidney disease, adult type. Last evaluated: 2020-06-02. Review status: criteria provided, single submitter. Criteria: ARUP Molecular Germline Variant Investigation Process. Collection method: clinical testing. Allele origin: germline.

GeneDx
Classification: Benign. Last evaluated: 2019-09-26. Review status: criteria provided, single submitter. Criteria: GeneDx Variant Classification Process June 2021. Collection method: clinical testing. Allele origin: germline. Affected: yes.
Comment: This variant is associated with the following publications: (PMID: 22383692)

Breakthrough Genomics
Classification: Benign. Review status: criteria provided, single submitter. Criteria: ACMG Guidelines, 2015. Collection method: not provided. Allele origin: germline. Inheritance: Autosomal dominant inheritance. Affected: yes.

PreventionGenetics, part of Exact Sciences
Classification: Benign. Review status: criteria provided, single submitter. Criteria: ACMG Guidelines, 2015. Collection method: clinical testing. Allele origin: germline.

Department of Pathology and Laboratory Medicine, Sinai Health System
Classification: Benign for Polycystic Kidney disease. Review status: no assertion criteria provided. Collection method: clinical testing. Allele origin: unknown. Affected: yes. Study: The Canadian Open Genetics Repository (COGR). Not counted in ClinVar's aggregate classification.
Comment: The PKD1 p.Ala1818Ala was identified in 1 of 460 proband chromosomes (frequency: 0.002) from individuals or families with ADPKD, and was not identified in 68 control chromosomes from healthy individuals (Rossetti 2012). The variant is listed in the dbSNP database (ID#: rs143916489) The variant was also identified in the 1000 Genomes Project in 236 of 5011 chromosomes (frequency: 0.0471) and in the NHLBI GO Exome Sequencing Project in 9 of 8516 European American (frequency: 0.001) and 554 of 4312 African American (frequency: 0.128) alleles. Furthermore, the variant is listed in the Exome Aggregation Consortium database (March 14, 2016) in 1081 of 49564 chromosomes (frequency: 0.021) including in the African population 969 (61 homozygous) of 4458 chromosomes (freq. 0.2174), increasing the likelihood that this may be a low frequency benign variant in certain populations of origin. We cannot be certain that variant data from control databases is specific to PKD1 and not from one of the six PKD1 pseudogenes. The variant is also identified in GeneInsight COGR and listed in the ADPKD Mutation Database 5x as likely neutral. The p.Ala1818Ala variant is not expected to have clinical significance because it does not result in a change of amino acid and is not located in a known consensus splice site. In addition, 4 of 5 in silico or computational prediction software programs (SpliceSiteFinder, MaxEntScan, NNSPLICE, GeneSplicer, HumanSpliceFinder) do not predict a difference in splicing. In summary, based on the above information, this variant meets our laboratory criteria to be classified as benign.

Joint Genome Diagnostic Labs from Nijmegen and Maastricht, Radboudumc and MUMC+
Classification: Benign. Review status: no assertion criteria provided. Collection method: clinical testing. Allele origin: germline. Affected: yes. Study: VKGL Data-share Consensus. Not counted in ClinVar's aggregate classification.

Laboratory of Diagnostic Genome Analysis, Leiden University Medical Center (LUMC)
Classification: Benign. Review status: no assertion criteria provided. Collection method: clinical testing. Allele origin: germline. Affected: yes. Study: VKGL Data-share Consensus. Not counted in ClinVar's aggregate classification.